The following is an entry in ClinVar:

ClinVar aggregate classification (germline): Conflicting classifications of pathogenicity. Review status: criteria provided, conflicting classifications (1 of 4 stars). 8 submissions from 6 submitters: Uncertain significance (1); Benign (2); Likely benign (5). Last evaluated 2025-11-12.

Conditions:
Distal spinal muscular atrophy. Also called: Distal hereditary motor neuronopathy; Distal hereditary motor neuropathy. Identifiers: Orphanet 53739, MedGen C0393541, MONDO:0018894.
Charcot-Marie-Tooth disease type 2D (CMT2D). Also called: CHARCOT-MARIE-TOOTH DISEASE, AXONAL, TYPE 2D; GARS1 Adolescent- or Early Adult-Onset Hereditary Motor/Sensory Neuropathy (GARS1-HMSN); Charcot-Marie-Tooth Neuropathy Type 2D; CHARCOT-MARIE-TOOTH DISEASE, NEURONAL, TYPE 2D. Identifiers: Orphanet 99938, MedGen C1832274, MONDO:0011091, OMIM 601472.
Neuronopathy, distal hereditary motor, type 5A (HMND5). Also called: DHMN VA; NEURONOPATHY, DISTAL HEREDITARY MOTOR, AUTOSOMAL DOMINANT 5; Distal Spinal Muscular Atrophy V; Distal Spinal Muscular Atrophy V (dSMA-V). Identifiers: Orphanet 139536, MedGen CN031873, MONDO:0015353, OMIM 600794.
Charcot-Marie-Tooth disease type 2. Also called: Charcot-Marie-Tooth type 2. Identifiers: Orphanet 64746, MedGen C0270914, MONDO:0018993.
Charcot-Marie-Tooth disease. Also called: Charcot-Marie-Tooth Neuropathy; Charcot-Marie-Tooth Hereditary Neuropathy. Identifiers: Orphanet 166, MedGen C0007959, MONDO:0015626.

Allele frequency attached by ClinVar (database versions not stated): TOPMed 0.00011; gnomAD 0.00006 and 0.00007; ExAC 0.00009.
gnomAD v4.1: 77 of 1,612,958 alleles (0.0048%); highest among the groups gnomAD compares: East Asian, 0.033%; no homozygotes.

Submissions (8):

Labcorp Genetics (formerly Invitae), Labcorp
Classification: Likely benign for Charcot-Marie-Tooth disease type 2. Last evaluated: 2025-11-12. Review status: criteria provided, single submitter. Criteria: Invitae Variant Classification Sherloc (09022015). Collection method: clinical testing. Allele origin: germline.

CeGaT Center for Human Genetics Tuebingen
Classification: Likely benign. Last evaluated: 2024-10-01. Review status: criteria provided, single submitter. Criteria: CeGaT Center For Human Genetics Tuebingen Variant Classification Criteria Version 2. Collection method: clinical testing. Allele origin: germline. Affected: yes. Observed: 1 variant allele.
Comment: GARS1: BP4

Ambry Genetics
Classification: Likely benign. Last evaluated: 2023-05-31. Review status: criteria provided, single submitter. Criteria: Ambry Variant Classification Scheme 2023. Collection method: clinical testing. Allele origin: germline.

Illumina Laboratory Services, Illumina
Classification: Benign for Distal Spinal Muscular Atrophy. Last evaluated: 2018-01-13. Review status: criteria provided, single submitter. Criteria: ICSL Variant Classification Criteria 13 December 2019. Collection method: clinical testing. Allele origin: germline.
Comment: This variant was observed in the ICSL laboratory as part of a predisposition screen in an ostensibly healthy population. It had not been previously curated by ICSL or reported in the Human Gene Mutation Database (HGMD: prior to June 1st, 2018), and was therefore a candidate for classification through an automated scoring system. Utilizing variant allele frequency, disease prevalence and penetrance estimates, and inheritance mode, an automated score was calculated to assess if this variant is too frequent to cause the disease. Based on the score and internal cut-off values, a variant classified as benign is not then subjected to further curation. The score for this variant resulted in a classification of benign for this disease.

Illumina Laboratory Services, Illumina
Classification: Likely benign for Charcot-Marie-Tooth disease type 2D. Last evaluated: 2018-01-13. Review status: criteria provided, single submitter. Criteria: ICSL Variant Classification Criteria 13 December 2019. Collection method: clinical testing. Allele origin: germline.
Comment: This variant was observed in the ICSL laboratory as part of a predisposition screen in an ostensibly healthy population. It had not been previously curated by ICSL or reported in the Human Gene Mutation Database (HGMD: prior to June 1st, 2018), and was therefore a candidate for classification through an automated scoring system. Utilizing variant allele frequency, disease prevalence and penetrance estimates, and inheritance mode, an automated score was calculated to assess if this variant is too frequent to cause the disease. Based on the score and internal cut-off values, a variant classified as likely benign is not then subjected to further curation. The score for this variant resulted in a classification of likely benign for this disease.

Illumina Laboratory Services, Illumina
Classification: Benign for Distal hereditary motor neuronopathy type 5. Last evaluated: 2018-01-13. Review status: criteria provided, single submitter. Criteria: ICSL Variant Classification Criteria 13 December 2019. Collection method: clinical testing. Allele origin: germline.
Comment: the same text as in the submission from Illumina Laboratory Services, Illumina above.

GeneDx
Classification: Likely benign. Last evaluated: 2016-08-17. Review status: criteria provided, single submitter. Criteria: GeneDx Variant Classification (06012015). Collection method: clinical testing. Allele origin: germline. Affected: yes.
Comment: This variant is considered likely benign or benign based on one or more of the following criteria: it is a conservative change, it occurs at a poorly conserved position in the protein, it is predicted to be benign by multiple in silico algorithms, and/or has population frequency not consistent with disease.

Molecular Genetics Laboratory, London Health Sciences Centre
Classification: Uncertain significance for Charcot-Marie-Tooth disease. Review status: criteria provided, single submitter. Criteria: ACMG Guidelines, 2015. Collection method: clinical testing. Allele origin: germline. Affected: yes.

NM_002047.4(GARS1):c.764C>T (p.Ala255Val)

Gene: GARS1 (glycyl-tRNA synthetase 1; plus strand). Cytogenetic location: 7p14.3.
Variant type: single nucleotide variant.
Coding change: c.764C>T on transcript NM_002047.4 (MANE Select); coding-DNA position 764, C replaced by T.
Protein change: p.Ala255Val; replaces alanine 255 with valine.
Molecular consequence: missense variant.
Genome position (GRCh38, 1-based): chr7:30,609,613, C>T. VCF-style: chr7-30609613-C-T. GRCh37 (hg19) VCF-style: chr7-30649229-C-T.
Other names: c.764C>T (LRG_243t1); c.602C>T, p.Ala201Val (NM_001316772.1); short protein forms A255V, A201V.
Identifiers: ClinVar variation 360005 (VCV000360005.29), dbSNP rs765478968, ClinGen allele CA4205819.